The following is an entry in ClinVar:

ClinVar aggregate classification (germline): Uncertain significance (1 of 4 stars; one submission).

Submission:

GeneDx
Classification: Uncertain significance. Last evaluated: 2024-12-06. Review status: criteria provided, single submitter. Criteria: GeneDx Variant Classification Process June 2021. Collection method: clinical testing. Allele origin: germline. Affected: yes.
Comment: Not observed at significant frequency in large population cohorts (gnomAD); In silico analysis indicates that this missense variant does not alter protein structure/function; Has not been previously published as pathogenic or benign to our knowledge

NM_020738.4(KIDINS220):c.2461A>G (p.Ser821Gly)

Gene: KIDINS220 (kinase D interacting substrate 220; minus strand). Cytogenetic location: 2p25.1.
Variant type: single nucleotide variant.
Coding change: c.2461A>G on transcript NM_020738.4 (MANE Select); coding-DNA position 2461, A replaced by G.
Protein change: p.Ser821Gly; replaces serine 821 with glycine.
Molecular consequence: missense variant. On other transcripts: non-coding transcript variant (2).
Genome position (GRCh38, 1-based): chr2:8,779,049, T>C on the plus strand (A>G on the coding strand, the complement: KIDINS220 is on the minus strand). VCF-style: chr2-8779049-T-C. GRCh37 (hg19) VCF-style: chr2-8919179-T-C.
Other names: c.2464A>G, p.Ser822Gly (NM_001348729.2, NM_001348731.2, NM_001348734.2 and 3 more transcripts); c.2461A>G, p.Ser821Gly (NM_001348732.2, NM_001348735.2, NM_001348738.2 and 3 more transcripts); c.2335A>G, p.Ser779Gly (NM_001348736.2); short protein forms S779G, S821G, S822G.
Identifiers: ClinVar variation 3903319 (VCV003903319.1).
Genomic context (GRCh38, chr2:8,779,049, plus strand): 5'-GCAAGTGGACTATGTTGCGCATGTAGTCATGGCCATTTATATTTGAATCCCGAAGCACAC[T>C]ATTGAGGTTCTGGTTAATTGCCTTTATGATAATATGTGGATCACTTGCAAAAATGGCAAT-3'
Protein context (NP_065789.1, residues 811-831): IIKAINQNLN[Ser821Gly]VLRDSNINGH